The following is an entry in ClinVar:

NM_004408.4(DNM1):c.850-18C>T

Gene: DNM1 (dynamin 1; plus strand). Cytogenetic location: 9q34.11.
Variant type: single nucleotide variant.
Coding change: c.850-18C>T on transcript NM_004408.4 (MANE Select); 18 bases into the intron before coding-DNA position 850, C replaced by T.
Molecular consequence: intron variant.
Genome position (GRCh38, 1-based): chr9:128,222,179, C>T. VCF-style: chr9-128222179-C-T. GRCh37 (hg19) VCF-style: chr9-130984458-C-T.
Other names: c.850-18C>T (NM_001005336.3, NM_001288738.2, NM_001288737.2 and 1 more transcripts).
Identifiers: ClinVar variation 511122 (VCV000511122.9), dbSNP rs763158060, ClinGen allele CA5257915.

ClinVar aggregate classification (germline): Likely benign. Review status: criteria provided, multiple submitters, no conflicts (2 of 4 stars). 2 submissions from 2 submitters: Likely benign (2). Last evaluated 2026-01-13.

Conditions:
Developmental and epileptic encephalopathy, 31A. Also called: Epileptic encephalopathy, early infantile, 31; Developmental and epileptic encephalopathy, 31. Identifiers: Orphanet 2382, MedGen C4225357, MONDO:0014598, OMIM 616346.

Allele frequency attached by ClinVar (database versions not stated): ExAC 0.00002; TOPMed 0.00003; gnomAD 0.00004 and 0.00005; gnomAD exomes 0.00004 and 0.00007.
gnomAD v4.1: 101 of 1,605,072 alleles (0.0063%); highest among the groups gnomAD compares: Non-Finnish European, 0.0081%; no homozygotes.

Submissions (2):

Labcorp Genetics (formerly Invitae), Labcorp
Classification: Likely benign for Developmental and epileptic encephalopathy, 31A. Last evaluated: 2026-01-13. Review status: criteria provided, single submitter. Criteria: Invitae Variant Classification Sherloc (09022015). Collection method: clinical testing. Allele origin: germline.

GeneDx
Classification: Likely benign. Last evaluated: 2017-07-28. Review status: criteria provided, single submitter. Criteria: GeneDx Variant Classification (06012015). Collection method: clinical testing. Allele origin: germline. Affected: yes.
Comment: This variant is considered likely benign or benign based on one or more of the following criteria: it is a conservative change, it occurs at a poorly conserved position in the protein, it is predicted to be benign by multiple in silico algorithms, and/or has population frequency not consistent with disease.